The following is an entry in ClinVar:

ClinVar aggregate classification (germline): Pathogenic. Review status: reviewed by expert panel (3 of 4 stars). 12 submissions from 12 submitters: Pathogenic (1). 11 of the submissions do not count toward it. Last evaluated 2023-07-03.

Conditions:
Glycogen storage disease, type II (IOPD). Also called: CARDIOMEGALIA GLYCOGENICA DIFFUSA; Glycogen storage disease type 2; Acid maltase deficiency disease; Aglucosidase alfa; Deficiency of alpha-glucosidase; Deficiency of lysosomal alpha-glucosidase. Identifiers: Orphanet 365, MedGen C0017921, MONDO:0009290, OMIM 232300.

Allele frequency attached by ClinVar (database versions not stated): TOPMed below 0.00001; gnomAD 0.00001; gnomAD exomes 0.00005; ExAC 0.00010; 1000 Genomes Project 0.00020; 1000 Genomes Project 30x 0.00031.
gnomAD v4.1: 32 of 1,610,602 alleles (0.002%); highest among the groups gnomAD compares: Middle Eastern, 0.066%; no homozygotes.

Submissions 1 to 8 of 12:

ClinGen Lysosomal Storage Disorder Variant Curation Expert Panel
Classification: Pathogenic for Glycogen storage disease, type II. Last evaluated: 2023-07-03. Review status: reviewed by expert panel. Criteria: clingen_lsd_acmg_specifications_v2-1. Collection method: curation. Allele origin: germline. Inheritance: Autosomal recessive inheritance.
Comment: The NM_000152.5:c.1942G>A (p.Gly648Ser) variant in GAA is a missense variant with a highest population minor allele frequency in gnomAD v2.1.1 of 0.00034 (10/29720 alleles) in the S. Asian population, which is lower than the ClinGen Lysosomal Diseases VCEP’s threshold for PM2_Supporting (<0.001), meeting this criterion (PM2_Supporting). At least 18 patients with a diagnosis of Pompe disease have been reported with this variant including those with documented deficient GAA activity and/or symptoms consistent with infantile onset Pompe disease and/or on enzyme replacment therapy (PMIDs 9535769, 17573812, 26497565, 29422078, 30214072, 31510962) (PP4_Moderate). In a study of the Maroon population of French Guiana, 9 out of 15 probands with "enzymatically confirmed" infantile onset Pompe disease were compound heterozygous for c.1942G>A (p.Gly648Ser) and c.2560C>T (p.Arg854Ter), a variant which has been classified as pathogenic by the ClinGen LD VCEP. The two variants are assumed to be in trans based on the high carrier frequency of both variants in that population. The carrier frequency of c.1942G>A (p.Gly648Ser) was 1 in 47 (9/425 women tested) (PMID: 29637184). Patients have also been reported who are compound heterozygous for the variant and another variant in GAA that has been classified as pathogenic by the ClinGen LD VCEP including c.2214G>A (p.Trp768Ter) (PMID: 26575883) and c.-32-13T>G (2 patients, PMIDs: 17643989, 25455803, 27193587). In addition, at least 3 patients are homozygous for the variant (PMID: 26497565, 29122469, 29889338, 30214072) (PM3_VeryStrong). Patients compound heterozygous for the variant and c.1076-22T>G (17643989, 25455803), c.2646+2T>A (PMID: 29422078), and c.1099T>C (p.Trp367Arg) (PMID: 31510962) have also been reported. However, the in trans data from these patients will be used in the assessment of the second variant and was not included here in order to avoid circular logic. When expressed in SV40_immortalized GAA deficient fibroblasts, the enzyme activity was "negligible" (PMID: 9535769), and when expressed in COS cells, the variant resulted in <2% wild type GAA activity (PMID: 19862843) (PS3_Supporting). The score for the REVEL meta-predictor, 0.98, also supports that the variant has a deleterious impact on GAA function (PP3). Another amino acid substitution at the same position has been reported in at least one individual with Pompe disease c.1943G>A (p.Gly648Asp) (PMIDs 22644586, 23146291, 23843830) (note that this data will be used in the classification of p.Gly648Asp and was not used here in order to avoid a circular argument). There is a ClinVar entry for this variant (Variation ID: 188902). In summary, this variant meets the criteria to be classified as pathogenic for Pompe disease. ACMG/AMP criteria met, as specified by the ClinGen Lysosomal Diseases VCEP (Specifications Version 2.0): PM3_VeryStrong, PP4_Moderate, PP3, PS3_Supporting, PM2_Supporting. (Classification approved by the ClinGen Lysosomal Diseases VCEP, July 3, 2023)

Genomenon, Inc
Classification: Pathogenic for Glycogen storage disease, type II. Last evaluated: 2026-07-01. Review status: criteria provided, single submitter. Criteria: Genomenon Sequence Variant Interpretation Standards - Updated. Collection method: curation. Allele origin: germline. Affected: yes. Not counted in ClinVar's aggregate classification.
Comment: GAA p.Gly648Ser (c.1942G>A) is a missense variant that changes the amino acid at codon 648 from Glycine to Serine. This variant has been observed in at least one proband with a GAA-related disorder in the compound heterozygous and/or homozygous state (PMID:38313679;35833019;35477515;34079727;34072668;33741225;33301762;31606152;31545528;31510962). At least one functional study has demonstrated a substantial alteration in protein function relative to the wild-type (PMID:9535769;19862843). It is absent or not present at a significant frequency in gnomAD. In silico models predict that this variant is possibly or probably damaging. In conclusion, we classify GAA p.Gly648Ser (c.1942G>A) as a pathogenic variant.

Natera, Inc.
Classification: Pathogenic for Glycogen storage disease type II. Last evaluated: 2024-08-30. Review status: criteria provided, single submitter. Criteria: Natera Variant Classification Schema (03/2026). Collection method: clinical testing. Allele origin: germline. Not counted in ClinVar's aggregate classification.
Comment: The c.1942G>A variant in GAA is a missense variant predicted to cause substitution of glycine to serine at amino acid 648. This variant is rare in the general population with a frequency below the threshold expected for the associated phenotype(s). This variant has been observed in one or more individuals affected with the associated recessive disease, as either homozygous or compound heterozygous with a second variant (PMID: 26497565, 29422078, 17643989). Computational prediction algorithms indicate this variant is likely to affect gene or protein function. Given the available evidence, this variant is classified as Pathogenic.

Labcorp Genetics (formerly Invitae), Labcorp
Classification: Pathogenic for Glycogen storage disease, type II. Last evaluated: 2024-07-02. Review status: criteria provided, single submitter. Criteria: Invitae Variant Classification Sherloc (09022015). Collection method: clinical testing. Allele origin: germline. Not counted in ClinVar's aggregate classification.
Comment: This sequence change replaces glycine, which is neutral and non-polar, with serine, which is neutral and polar, at codon 648 of the GAA protein (p.Gly648Ser). This variant is present in population databases (rs536906561, gnomAD 0.03%). This missense change has been observed in individual(s) with glycogen storage disease type II (PMID: 9535769, 17643989, 26575883). In at least one individual the data is consistent with being in trans (on the opposite chromosome) from a pathogenic variant. ClinVar contains an entry for this variant (Variation ID: 188902). Advanced modeling of protein sequence and biophysical properties (such as structural, functional, and spatial information, amino acid conservation, physicochemical variation, residue mobility, and thermodynamic stability) performed at Invitae indicates that this missense variant is expected to disrupt GAA protein function with a positive predictive value of 95%. Experimental studies have shown that this missense change affects GAA function (PMID: 9535769, 19862843). This variant disrupts the p.Gly648 amino acid residue in GAA. Other variant(s) that disrupt this residue have been observed in individuals with GAA-related conditions (PMID: 22644586, 23146291), which suggests that this may be a clinically significant amino acid residue. For these reasons, this variant has been classified as Pathogenic.

Revvity Omics, Revvity
Classification: Pathogenic. Last evaluated: 2024-01-04. Review status: criteria provided, single submitter. Criteria: ACMG Guidelines, 2015. Collection method: clinical testing. Allele origin: germline. Not counted in ClinVar's aggregate classification.

Institute of Medical Genetics and Genomics, Sir Ganga Ram Hospital
Classification: Pathogenic for Glycogen storage disease, type II. Last evaluated: 2023-06-22. Review status: criteria provided, single submitter. Criteria: ACMG Guidelines, 2015. Collection method: clinical testing. Allele origin: germline. Inheritance: Autosomal recessive inheritance. Affected: yes. Observed: 1 homozygote. Not counted in ClinVar's aggregate classification.
Comment: This variant has been found 0.0054%gnomAD (aggregated). This has been previously reported PMID: 18429042

Foundation for Research in Genetics and Endocrinology, FRIGE's Institute of Human Genetics
Classification: Pathogenic for Glycogen storage disease, type II. Last evaluated: 2023-04-25. Review status: criteria provided, single submitter. Criteria: ACMG Guidelines, 2015. Collection method: clinical testing. Allele origin: germline. Inheritance: Autosomal recessive inheritance. Affected: yes. Observed: 1 heterozygote. Not counted in ClinVar's aggregate classification.
Comment: A Heterozygous variation in exon 14 of the GAA gene that results in the amino acid substitution of serine for glycine at codon 648 was detected. The observed variant c.1942G>A (p.Gly648Ser) has not been reported in the 1000 genomes database and this variant has minor allele frequency of 0.0054% in gnomAD database. The in silico prediction of the variant are possibly damaging by PolyPhen-2, SIFT, CAAD and MutationTaster. In summary, the variant meets our criteria to be classified as pathogenic.

GeneDx
Classification: Pathogenic. Last evaluated: 2023-01-24. Review status: criteria provided, single submitter. Criteria: GeneDx Variant Classification Process June 2021. Collection method: clinical testing. Allele origin: germline. Affected: yes. Not counted in ClinVar's aggregate classification.
Comment: Published functional studies demonstrate a damaging effect through reduced enzyme function (Huie et al., 1998); Classified as a pathogenic variant by the ClinGen Lysosomal Storage Disorder Variant Curation Expert Panel (ClinVar 526521); This variant is associated with the following publications: (PMID: 33301762, 30275481, 26575883, 29637184, 33741225, 22253258, 19343043, 9535769, 19862843, 25455803, 27193587, 29122469, 22644586, 30214072, 31510962, 35833019, 16478160, 23146291, 17573812, 29422078, 26497565, 17643989)

NM_000152.5(GAA):c.1942G>A (p.Gly648Ser)

Gene: GAA (alpha glucosidase; plus strand). Cytogenetic location: 17q25.3.
Variant type: single nucleotide variant.
Coding change: c.1942G>A on transcript NM_000152.5 (MANE Select); coding-DNA position 1942, G replaced by A.
Protein change: p.Gly648Ser; replaces glycine 648 with serine.
Molecular consequence: missense variant.
Genome position (GRCh38, 1-based): chr17:80,112,929, G>A. VCF-style: chr17-80112929-G-A. GRCh37 (hg19) VCF-style: chr17-78086728-G-A.
Other names: c.1942G>A (LRG_673t1); c.1942G>A, p.Gly648Ser (NM_001079803.3, NM_001079804.3); short protein forms G648S.
Identifiers: ClinVar variation 188902 (VCV000188902.50), dbSNP rs536906561, ClinGen allele CA274102.